The following is an entry in ClinVar:

NM_000179.3(MSH6):c.2875C>A (p.Arg959Ser)

Gene: MSH6 (mutS homolog 6; plus strand). Cytogenetic location: 2p16.3.
Variant type: single nucleotide variant.
Coding change: c.2875C>A on transcript NM_000179.3 (MANE Select); coding-DNA position 2875, C replaced by A.
Protein change: p.Arg959Ser; replaces arginine 959 with serine.
Molecular consequence: missense variant.
Genome position (GRCh38, 1-based): chr2:47,800,858, C>A. VCF-style: chr2-47800858-C-A. GRCh37 (hg19) VCF-style: chr2-48027997-C-A.
Other names: c.2485C>A, p.Arg829Ser (NM_001281492.2); c.1969C>A, p.Arg657Ser (NM_001281493.2, NM_001281494.2); short protein forms R657S, R829S, R959S.
Identifiers: ClinVar variation 928978 (VCV000928978.7), dbSNP rs751973865, ClinGen allele CA346756002.
Genomic context (GRCh38, chr2:47,800,858, plus strand): 5'-CAAGCTCTTGCTGACATAAGAGAAAATGAACAGAGCCTCCTGGAATACCTAGAGAAACAG[C>A]GCAACAGAATTGGCTGTAGGACCATAGTCTATTGGGGGATTGGTAGGAACCGTTACCAGC-3'
Protein context (NP_000170.1, residues 949-969): QSLLEYLEKQ[Arg959Ser]NRIGCRTIVY

ClinVar aggregate classification (germline): Uncertain significance. Review status: criteria provided, multiple submitters, no conflicts (2 of 4 stars). 2 submissions from 2 submitters: Uncertain significance (2). Last evaluated 2021-11-08.

Conditions:
Hereditary nonpolyposis colorectal neoplasms. Identifiers: MedGen C0009405, MeSH D003123.

Submissions (2):

Labcorp Genetics (formerly Invitae), Labcorp
Classification: Uncertain significance for Hereditary nonpolyposis colorectal neoplasms. Last evaluated: 2021-11-08. Review status: criteria provided, single submitter. Criteria: Invitae Variant Classification Sherloc (09022015). Collection method: clinical testing. Allele origin: germline.
Comment: This sequence change replaces arginine, which is basic and polar, with serine, which is neutral and polar, at codon 959 of the MSH6 protein (p.Arg959Ser). In summary, the available evidence is currently insufficient to determine the role of this variant in disease. Therefore, it has been classified as a Variant of Uncertain Significance. Algorithms developed to predict the effect of missense changes on protein structure and function (SIFT, PolyPhen-2, Align-GVGD) all suggest that this variant is likely to be disruptive. ClinVar contains an entry for this variant (Variation ID: 928978). This variant has not been reported in the literature in individuals affected with MSH6-related conditions. This variant is not present in population databases (gnomAD no frequency).

Women's Health and Genetics/Laboratory Corporation of America, LabCorp
Classification: Uncertain significance. Last evaluated: 2019-03-25. Review status: criteria provided, single submitter. Criteria: LabCorp Variant Classification Summary - May 2015. Collection method: clinical testing. Allele origin: germline.
Comment: Variant summary: MSH6 c.2875C>A (p.Arg959Ser) results in a non-conservative amino acid change in the encoded protein sequence. Four of five in-silico tools predict a damaging effect of the variant on protein function. The variant was absent in 120162 control chromosomes. The available data on variant occurrences in the general population are insufficient to allow any conclusion about variant significance. To our knowledge, no occurrence of c.2875C>A in individuals affected with Lynch Syndrome and no experimental evidence demonstrating its impact on protein function have been reported. No clinical diagnostic laboratories have submitted clinical-significance assessments for this variant to ClinVar after 2014. Based on the evidence outlined above, the variant was classified as uncertain significance.